The following is an entry in ClinVar:

NM_001368882.1(COL13A1):c.1231-2A>G

Gene: COL13A1 (collagen type XIII alpha 1 chain; plus strand). Cytogenetic location: 10q22.1.
Variant type: single nucleotide variant.
Coding change: c.1231-2A>G on transcript NM_001368882.1 (MANE Select); the canonical splice acceptor site of the intron before coding-DNA position 1231, A replaced by G.
Molecular consequence: splice acceptor variant.
Genome position (GRCh38, 1-based): chr10:69,923,800, A>G. VCF-style: chr10-69923800-A-G. GRCh37 (hg19) VCF-style: chr10-71683556-A-G.
Other names: c.1168-2A>G (NM_001320951.2, NM_001368884.1); c.1198-2A>G (NM_001130103.2); c.1132-2A>G (NM_080801.4, NM_080802.4, NM_001368885.1); c.1141-2A>G (NM_080800.4, NM_001368895.1); c.568-2A>G (NM_001368886.1); c.1195-2A>G (NM_001368883.1); c.1045-2A>G (NM_080805.4); c.1054-2A>G (NM_001368897.1); and 1 more.
Identifiers: ClinVar variation 4845842 (VCV004845842.1).

ClinVar aggregate classification (germline): Likely pathogenic (1 of 4 stars; one submission).

Conditions:
Congenital myasthenic syndrome 19. Identifiers: Orphanet 590, MedGen C4225235, MONDO:0014745, OMIM 616720.

gnomAD v4.1: 3 of 1,609,642 alleles (0.00019%); highest among the groups gnomAD compares: Non-Finnish European, 0.00025%; no homozygotes.

Submission:

First Genomix Gene Laboratory, Genetic Diagnostics Department
Classification: Likely pathogenic for Congenital myasthenic syndrome 19. Last evaluated: 2025-03-27. Review status: criteria provided, single submitter. Criteria: ACMG Guidelines, 2015. Collection method: clinical testing. Allele origin: germline. Inheritance: Autosomal recessive inheritance. Affected: no. Observed: 1 variant allele.